The following is an entry in ClinVar:

ClinVar aggregate classification (germline): Pathogenic/Likely pathogenic. Review status: criteria provided, multiple submitters, no conflicts (2 of 4 stars). 2 submissions from 2 submitters: Pathogenic (1); Likely pathogenic (1). Last evaluated 2023-03-29.

Conditions:
Fraser syndrome 1 (FRASRS1). Also called: CRYPTOPHTHALMOS WITH OTHER MALFORMATIONS. Identifiers: Orphanet 2052, MedGen C4551480, MONDO:0054737, OMIM 219000.

Allele frequency attached by ClinVar (database versions not stated): gnomAD exomes below 0.00001; ExAC 0.00001.
gnomAD v4.1: 1 of 1,510,170 alleles (0.000066%); highest among the groups gnomAD compares: East Asian, 0.0023%; no homozygotes.

Submissions (2):

Labcorp Genetics (formerly Invitae), Labcorp
Classification: Likely pathogenic. Last evaluated: 2023-03-29. Review status: criteria provided, single submitter. Criteria: Invitae Variant Classification Sherloc (09022015). Collection method: clinical testing. Allele origin: germline.
Comment: In summary, the currently available evidence indicates that the variant is pathogenic, but additional data are needed to prove that conclusively. Therefore, this variant has been classified as Likely Pathogenic. This variant disrupts the C-terminus of the FRAS1 protein. Other variant(s) that disrupt this region (p.Arg3849Aspfs*8, p.Asn3967Glufs*2) have been observed in individuals with FRAS1-related conditions (PMID: 18671281, 31923588, 32488952). This suggests that this may be a clinically significant region of the protein. ClinVar contains an entry for this variant (Variation ID: 916656). This variant has not been reported in the literature in individuals affected with FRAS1-related conditions. The frequency data for this variant in the population databases is considered unreliable, as metrics indicate poor data quality at this position in the gnomAD database. This sequence change creates a premature translational stop signal (p.Gln3825*) in the FRAS1 gene. While this is not anticipated to result in nonsense mediated decay, it is expected to disrupt the last 188 amino acid(s) of the FRAS1 protein.

Service de Biochimie Médicale et Biologie Moléculaire, CHU Clermont-Ferrand
Classification: Pathogenic for Fraser syndrome 1. Last evaluated: 2018-09-14. Review status: criteria provided, single submitter. Criteria: ACMG Guidelines, 2015. Collection method: clinical testing. Allele origin: inherited. Inheritance: Autosomal recessive inheritance. Affected: yes.
Comment: This variant in homozygous state or compound heterozygous state induced Fraser syndrome phenotype

Literature cited by the submitters: PubMed 18671281 (cited by Labcorp Genetics (formerly Invitae), Labcorp); PubMed 31923588 (cited by Labcorp Genetics (formerly Invitae), Labcorp); PubMed 32488952 (cited by Labcorp Genetics (formerly Invitae), Labcorp).

NM_025074.7(FRAS1):c.11473C>T (p.Gln3825Ter)

Gene: FRAS1 (Fraser extracellular matrix complex subunit 1; plus strand). Cytogenetic location: 4q21.21.
Variant type: single nucleotide variant.
Coding change: c.11473C>T on transcript NM_025074.7 (MANE Select); coding-DNA position 11473, C replaced by T.
Protein change: p.Gln3825Ter; replaces glutamine 3825 with a stop codon.
Molecular consequence: nonsense.
Genome position (GRCh38, 1-based): chr4:78,540,558, C>T. VCF-style: chr4-78540558-C-T. GRCh37 (hg19) VCF-style: chr4-79461712-C-T.
Other names: short protein forms Q3825*.
Identifiers: ClinVar variation 916656 (VCV000916656.4), dbSNP rs765622092, ClinGen allele CA2979242.